The following is an entry in ClinVar:

NM_145691.4(ATPAF2):c.62G>C (p.Gly21Ala)

Genes: ATPAF2 (ATP synthase mitochondrial F1 complex assembly factor 2; minus strand), LOC130060410 (ATAC-STARR-seq lymphoblastoid active region 11821; plus strand). Cytogenetic location: 17p11.2.
Variant type: single nucleotide variant.
Coding change: c.62G>C on transcript NM_145691.4 (MANE Select); coding-DNA position 62, G replaced by C.
Protein change: p.Gly21Ala; replaces glycine 21 with alanine.
Molecular consequence: missense variant.
Genome position (GRCh38, 1-based): chr17:18,038,952, C>G on the plus strand (G>C on the coding strand, the complement: ATPAF2 is on the minus strand). VCF-style: chr17-18038952-C-G. GRCh37 (hg19) VCF-style: chr17-17942266-C-G.
Other names: short protein forms G21A.
Identifiers: ClinVar variation 2132061 (VCV002132061.4), dbSNP rs949018724, ClinGen allele CA398580462.

ClinVar aggregate classification (germline): Uncertain significance (1 of 4 stars; one submission).

Submission:

Labcorp Genetics (formerly Invitae), Labcorp
Classification: Uncertain significance. Last evaluated: 2022-08-22. Review status: criteria provided, single submitter. Criteria: Invitae Variant Classification Sherloc (09022015). Collection method: clinical testing. Allele origin: germline.
Comment: In summary, the available evidence is currently insufficient to determine the role of this variant in disease. Therefore, it has been classified as a Variant of Uncertain Significance. Algorithms developed to predict the effect of missense changes on protein structure and function output the following: SIFT: "Deleterious"; PolyPhen-2: "Benign"; Align-GVGD: "Class C0". The alanine amino acid residue is found in multiple mammalian species, which suggests that this missense change does not adversely affect protein function. This variant has not been reported in the literature in individuals affected with ATPAF2-related conditions. This variant is not present in population databases (gnomAD no frequency). This sequence change replaces glycine, which is neutral and non-polar, with alanine, which is neutral and non-polar, at codon 21 of the ATPAF2 protein (p.Gly21Ala).